The following is an entry in ClinVar:

NM_000260.4(MYO7A):c.111G>C (p.Gln37His)

Gene: MYO7A (myosin VIIA; plus strand). Cytogenetic location: 11q13.5.
Variant type: single nucleotide variant.
Coding change: c.111G>C on transcript NM_000260.4 (MANE Select); coding-DNA position 111, G replaced by C.
Protein change: p.Gln37His; replaces glutamine 37 with histidine.
Molecular consequence: missense variant.
Genome position (GRCh38, 1-based): chr11:77,142,801, G>C. VCF-style: chr11-77142801-G-C. GRCh37 (hg19) VCF-style: chr11-76853847-G-C.
Other names: c.111G>C, p.Gln37His (NM_001127180.2); c.78G>C, p.Gln26His (NM_001369365.1); short protein forms Q26H, Q37H.
Identifiers: ClinVar variation 1477152 (VCV001477152.6), dbSNP rs1461064082, ClinGen allele CA381926518.
Genomic context (GRCh38, chr11:77,142,801, plus strand): 5'-GCAGGAGTTCGACGTGCCCATCGGGGCGGTGGTGAAGCTCTGCGACTCTGGGCAGGTCCA[G>C]GTGGTGGATGATGAAGACAATGTGAGTAGTCCCCTCCCTCCTCCTGCCCCATGCCTTGGG-3'
Protein context (NP_000251.3, residues 27-47): VVKLCDSGQV[Gln37His]VVDDEDNEHW

ClinVar aggregate classification (germline): Uncertain significance (1 of 4 stars; one submission).

Submission:

Labcorp Genetics (formerly Invitae), Labcorp
Classification: Uncertain significance. Last evaluated: 2024-01-08. Review status: criteria provided, single submitter. Criteria: Invitae Variant Classification Sherloc (09022015). Collection method: clinical testing. Allele origin: germline.
Comment: This sequence change replaces glutamine, which is neutral and polar, with histidine, which is basic and polar, at codon 37 of the MYO7A protein (p.Gln37His). This variant is not present in population databases (gnomAD no frequency). This variant has not been reported in the literature in individuals affected with MYO7A-related conditions. ClinVar contains an entry for this variant (Variation ID: 1477152). Advanced modeling of protein sequence and biophysical properties (such as structural, functional, and spatial information, amino acid conservation, physicochemical variation, residue mobility, and thermodynamic stability) performed at Invitae indicates that this missense variant is not expected to disrupt MYO7A protein function with a negative predictive value of 95%. In summary, the available evidence is currently insufficient to determine the role of this variant in disease. Therefore, it has been classified as a Variant of Uncertain Significance.